The following is an entry in ClinVar:

ClinVar aggregate classification (germline): Uncertain significance. Review status: criteria provided, multiple submitters, no conflicts (2 of 4 stars). 6 submissions from 6 submitters: Uncertain significance (5). 1 of the submissions does not count toward it. Last evaluated 2025-11-27.

Conditions:
Worth disease. Also called: ENDOSTEAL HYPEROSTOSIS, AUTOSOMAL DOMINANT; OSTEOSCLEROSIS, AUTOSOMAL DOMINANT; Autosomal dominant osteosclerosis, Worth type. Identifiers: Orphanet 2790, MedGen C0432273, MONDO:0007764, OMIM 144750.
Bone mineral density quantitative trait locus 1 (BMND1). Identifiers: MedGen C1866079, OMIM 601884.
Osteoporosis with pseudoglioma (OPPG). Also called: osteoporosis-pseudoglioma syndrome. Identifiers: Orphanet 2788, MedGen C0432252, MONDO:0009820, OMIM 259770.
Autosomal dominant osteopetrosis 1 (OPTA1). Also called: OSTEOPETROSIS, AUTOSOMAL DOMINANT, TYPE I. Identifiers: Orphanet 2783, MedGen C1843330, MONDO:0011877, OMIM 607634.
Polycystic liver disease 4 with or without kidney cysts. Identifiers: MedGen C4693479, MONDO:0044327, OMIM 617875.
Exudative vitreoretinopathy 4 (EVR4). Identifiers: Orphanet 891, MedGen C1866176, MONDO:0011151, OMIM 601813.
LRP5-related disorder. Also called: LRP5-related condition.
Inborn genetic diseases. Identifiers: MedGen C0950123, MeSH D030342.

Allele frequency attached by ClinVar (database versions not stated): gnomAD exomes 0.00001; TOPMed 0.00008; ESP Exome Variant Server 0.00008; ExAC 0.00001; gnomAD 0.00004.
gnomAD v4.1: 43 of 1,614,070 alleles (0.0027%); highest among the groups gnomAD compares: Admixed American, 0.0083%; no homozygotes.

Submissions (6):

Labcorp Genetics (formerly Invitae), Labcorp
Classification: Uncertain significance. Last evaluated: 2025-11-27. Review status: criteria provided, single submitter. Criteria: Invitae Variant Classification Sherloc (09022015). Collection method: clinical testing. Allele origin: germline.
Comment: This sequence change replaces proline, which is neutral and non-polar, with leucine, which is neutral and non-polar, at codon 1381 of the LRP5 protein (p.Pro1381Leu). This variant is present in population databases (rs369637767, gnomAD 0.003%). This variant has not been reported in the literature in individuals affected with LRP5-related conditions. ClinVar contains an entry for this variant (Variation ID: 972088). Invitae Evidence Modeling of protein sequence and biophysical properties (such as structural, functional, and spatial information, amino acid conservation, physicochemical variation, residue mobility, and thermodynamic stability) indicates that this missense variant is not expected to disrupt LRP5 protein function with a negative predictive value of 95%. In summary, the available evidence is currently insufficient to determine the role of this variant in disease. Therefore, it has been classified as a Variant of Uncertain Significance.

Fulgent Genetics
Classification: Uncertain significance for Worth disease; Osteoporosis with pseudoglioma; Exudative vitreoretinopathy 4; Bone mineral density quantitative trait locus 1; Autosomal dominant osteopetrosis 1; Polycystic liver disease 4 with or without kidney cysts. Last evaluated: 2024-04-16. Review status: criteria provided, single submitter. Criteria: ACMG Guidelines, 2015. Collection method: clinical testing. Allele origin: germline.

Blueprint Genetics
Classification: Uncertain significance. Last evaluated: 2024-01-18. Review status: criteria provided, single submitter. Criteria: ACMG Guidelines, 2015. Collection method: clinical testing. Allele origin: germline.

Ambry Genetics
Classification: Uncertain significance for Inborn genetic diseases. Last evaluated: 2023-12-20. Review status: criteria provided, single submitter. Criteria: Ambry Variant Classification Scheme 2023. Collection method: clinical testing. Allele origin: germline.

GeneDx
Classification: Uncertain significance. Last evaluated: 2023-07-13. Review status: criteria provided, single submitter. Criteria: GeneDx Variant Classification Process June 2021. Collection method: clinical testing. Allele origin: germline. Affected: yes.
Comment: In silico analysis supports that this missense variant has a deleterious effect on protein structure/function; Has not been previously published as pathogenic or benign to our knowledge

PreventionGenetics, part of Exact Sciences
Classification: Uncertain significance for LRP5-related condition. Last evaluated: 2024-09-19. Review status: no assertion criteria provided. Collection method: clinical testing. Allele origin: germline. Not counted in ClinVar's aggregate classification.
Comment: The LRP5 c.4142C>T variant is predicted to result in the amino acid substitution p.Pro1381Leu. To our knowledge, this variant has not been reported in the literature. This variant is reported in 0.0029% of alleles in individuals of Latino descent in gnomAD. At this time, the clinical significance of this variant is uncertain due to the absence of conclusive functional and genetic evidence.

NM_002335.4(LRP5):c.4142C>T (p.Pro1381Leu)

Gene: LRP5 (LDL receptor related protein 5; plus strand). Cytogenetic location: 11q13.2.
Variant type: single nucleotide variant.
Coding change: c.4142C>T on transcript NM_002335.4 (MANE Select); coding-DNA position 4142, C replaced by T.
Protein change: p.Pro1381Leu; replaces proline 1381 with leucine.
Molecular consequence: missense variant.
Genome position (GRCh38, 1-based): chr11:68,438,476, C>T. VCF-style: chr11-68438476-C-T. GRCh37 (hg19) VCF-style: chr11-68205944-C-T.
Other names: c.2399C>T, p.Pro800Leu (NM_001291902.2); short protein forms P1381L, P800L.
Identifiers: ClinVar variation 972088 (VCV000972088.16), dbSNP rs369637767, ClinGen allele CA6150264.
Genomic context (GRCh38, chr11:68,438,476, plus strand): 5'-TGGCCACCTCTTTCTGTTTGTCTCTGGCAGAAATCACCAAGCCGCCCTCAGACGACAGCC[C>T]GGCCCACAGCAGTGCCATCGGGCCCGTCATTGGCATCATCCTCTCTCTCTTCGTCATGGG-3'
Protein context (NP_002326.2, residues 1371-1391): EITKPPSDDS[Pro1381Leu]AHSSAIGPVI